The following is an entry in ClinVar:

NM_030958.3(SLCO5A1):c.1781G>A (p.Gly594Glu)

Gene: SLCO5A1 (solute carrier organic anion transporter family member 5A1; minus strand). Cytogenetic location: 8q13.3.
Variant type: single nucleotide variant.
Coding change: c.1781G>A on transcript NM_030958.3 (MANE Select); coding-DNA position 1781, G replaced by A.
Protein change: p.Gly594Glu; replaces glycine 594 with glutamic acid.
Molecular consequence: missense variant.
Genome position (GRCh38, 1-based): chr8:69,682,185, C>T on the plus strand (G>A on the coding strand, the complement: SLCO5A1 is on the minus strand). VCF-style: chr8-69682185-C-T. GRCh37 (hg19) VCF-style: chr8-70594420-C-T.
Other names: c.1781G>A, p.Gly594Glu (NM_001146008.2); c.1616G>A, p.Gly539Glu (NM_001146009.1); c.1781G>A (NM_030958.2); short protein forms G539E, G594E.
Identifiers: ClinVar variation 1499403 (VCV001499403.8), dbSNP rs34698405, ClinGen allele CA371234515.
Genomic context (GRCh38, chr8:69,682,185, plus strand): 5'-TCACATCCTTGTCACAGGATGTTGGACTAACAGAAGAGGAACTTGTGAAATATACTCACC[C>T]CAGTGCTAAGATTACCACTATTAACACAGCCAGCCAGACAAGGGTTAAAGTATGTAATTC-3'
Protein context (NP_112220.2, residues 584-604): GCVNSGNLST[Gly594Glu]IRNYTECTCV

ClinVar aggregate classification (germline): Uncertain significance. Review status: criteria provided, multiple submitters, no conflicts (2 of 4 stars). 2 submissions from 2 submitters: Uncertain significance (2). Last evaluated 2025-01-20.

gnomAD v4.1: 8 of 1,607,666 alleles (0.0005%); highest among the groups gnomAD compares: Admixed American, 0.014%; no homozygotes.

Submissions (2):

Labcorp Genetics (formerly Invitae), Labcorp
Classification: Uncertain significance. Last evaluated: 2025-01-20. Review status: criteria provided, single submitter. Criteria: Invitae Variant Classification Sherloc (09022015). Collection method: clinical testing. Allele origin: germline.
Comment: This sequence change replaces glycine, which is neutral and non-polar, with glutamic acid, which is acidic and polar, at codon 594 of the SLCO5A1 protein (p.Gly594Glu). This variant is not present in population databases (gnomAD no frequency). This variant has not been reported in the literature in individuals affected with SLCO5A1-related conditions. ClinVar contains an entry for this variant (Variation ID: 1499403). An algorithm developed to predict the effect of missense changes on protein structure and function (PolyPhen-2) suggests that this variant is likely to be tolerated. In summary, the available evidence is currently insufficient to determine the role of this variant in disease. Therefore, it has been classified as a Variant of Uncertain Significance.

Ambry Genetics
Classification: Uncertain significance. Last evaluated: 2024-10-20. Review status: criteria provided, single submitter. Criteria: Ambry Variant Classification Scheme 2023. Collection method: clinical testing. Allele origin: germline.